The following is an entry in ClinVar:

NM_000179.3(MSH6):c.2710G>C (p.Asp904His)

Gene: MSH6 (mutS homolog 6; plus strand). Cytogenetic location: 2p16.3.
Variant type: single nucleotide variant.
Coding change: c.2710G>C on transcript NM_000179.3 (MANE Select); coding-DNA position 2710, G replaced by C.
Protein change: p.Asp904His; replaces aspartic acid 904 with histidine.
Molecular consequence: missense variant.
Genome position (GRCh38, 1-based): chr2:47,800,693, G>C. VCF-style: chr2-47800693-G-C. GRCh37 (hg19) VCF-style: chr2-48027832-G-C.
Other names: c.2320G>C, p.Asp774His (NM_001281492.2); c.1804G>C, p.Asp602His (NM_001281493.2, NM_001281494.2, NM_001406811.1 and 6 more transcripts); c.2806G>C, p.Asp936His (NM_001406795.1, NM_001406802.1); c.2710G>C, p.Asp904His (NM_001406796.1, NM_001406798.1, NM_001406800.1 and 2 more transcripts); c.2413G>C, p.Asp805His (NM_001406797.1, NM_001406801.1, NM_001406805.1 and 10 more transcripts); c.2185G>C, p.Asp729His (NM_001406799.1, NM_001406806.1, NM_001406807.1); c.2632G>C, p.Asp878His (NM_001406804.1); c.2716G>C, p.Asp906His (NM_001406813.1); and 2 more; short protein forms D219H, D774H, D906H, D936H, D729H, D805H, D848H, D602H.
Identifiers: ClinVar variation 1795075 (VCV001795075.5), dbSNP rs1379402512, ClinGen allele CA346755335.

ClinVar aggregate classification (germline): Conflicting classifications of pathogenicity. Review status: criteria provided, conflicting classifications (1 of 4 stars). 2 submissions from 2 submitters: Uncertain significance (1); Likely benign (1). Last evaluated 2024-01-25.

Conditions:
Hereditary cancer-predisposing syndrome. Also called: Tumor predisposition; Hereditary Cancer Syndrome; Neoplastic Syndromes, Hereditary; Hereditary neoplastic syndrome. Identifiers: Orphanet 140162, MedGen C0027672, MeSH D009386, MONDO:0015356.
Hereditary nonpolyposis colorectal neoplasms. Identifiers: MedGen C0009405, MeSH D003123.

Submissions (2):

Labcorp Genetics (formerly Invitae), Labcorp
Classification: Likely benign for Hereditary nonpolyposis colorectal neoplasms. Last evaluated: 2024-01-25. Review status: criteria provided, single submitter. Criteria: Invitae Variant Classification Sherloc (09022015). Collection method: clinical testing. Allele origin: germline.

Ambry Genetics
Classification: Uncertain significance for Hereditary cancer-predisposing syndrome. Last evaluated: 2021-05-10. Review status: criteria provided, single submitter. Criteria: Ambry Variant Classification Scheme 2023. Collection method: clinical testing. Allele origin: germline.
Comment: The p.D904H variant (also known as c.2710G>C), located in coding exon 4 of the MSH6 gene, results from a G to C substitution at nucleotide position 2710. The aspartic acid at codon 904 is replaced by histidine, an amino acid with similar properties. This amino acid position is well conserved in available vertebrate species. In addition, this alteration is predicted to be deleterious by in silico analysis. Since supporting evidence is limited at this time, the clinical significance of this alteration remains unclear.